The following is an entry in ClinVar:

NM_001113491.2(SEPTIN9):c.960A>G (p.Lys320=)

Gene: SEPTIN9 (septin 9; plus strand). Cytogenetic location: 17q25.3.
Variant type: single nucleotide variant.
Coding change: c.960A>G on transcript NM_001113491.2 (MANE Select); coding-DNA position 960, A replaced by G.
Protein change: p.Lys320=; no amino-acid change (lysine 320 retained).
Molecular consequence: synonymous variant.
Genome position (GRCh38, 1-based): chr17:77,487,470, A>G. VCF-style: chr17-77487470-A-G. GRCh37 (hg19) VCF-style: chr17-75483552-A-G.
Other names: c.468A>G, p.Lys156= (NM_001113492.2, NM_001113494.1); c.939A>G, p.Lys313= (NM_001113493.2); c.207A>G, p.Lys69= (NM_001113495.2, NM_001113496.2, NM_001293697.2 and 1 more transcripts); c.903A>G, p.Lys301= (NM_001293695.2); c.288A>G, p.Lys96= (NM_001293696.2); c.906A>G, p.Lys302= (NM_006640.5).
Identifiers: ClinVar variation 2445545 (VCV002445545.4), dbSNP rs1329386308, ClinGen allele CA501953006.

ClinVar aggregate classification (germline): Uncertain significance (1 of 4 stars; one submission).

Allele frequency attached by ClinVar (database versions not stated): gnomAD exomes below 0.00001; gnomAD 0.00001; TOPMed 0.00001.
gnomAD v4.1: 3 of 1,611,690 alleles (0.00019%); highest among the groups gnomAD compares: Admixed American, 0.0034%; no homozygotes.

Submission:

Labcorp Genetics (formerly Invitae), Labcorp
Classification: Uncertain significance. Last evaluated: 2022-10-19. Review status: criteria provided, single submitter. Criteria: Invitae Variant Classification Sherloc (09022015). Collection method: clinical testing. Allele origin: germline.
Comment: In summary, the available evidence is currently insufficient to determine the role of this variant in disease. Therefore, it has been classified as a Variant of Uncertain Significance. This sequence change affects codon 302 of the SEPT9 mRNA. It is a 'silent' change, meaning that it does not change the encoded amino acid sequence of the SEPT9 protein. This variant is present in population databases (no rsID available, gnomAD no frequency). This variant has not been reported in the literature in individuals affected with SEPT9-related conditions. Algorithms developed to predict the effect of sequence changes on RNA splicing suggest that this variant may disrupt the consensus splice site.